The following is an entry in ClinVar:

NM_015512.5(DNAH1):c.4276A>G (p.Thr1426Ala)

Gene: DNAH1 (dynein axonemal heavy chain 1; plus strand). Cytogenetic location: 3p21.1.
Variant type: single nucleotide variant.
Coding change: c.4276A>G on transcript NM_015512.5 (MANE Select); coding-DNA position 4276, A replaced by G.
Protein change: p.Thr1426Ala; replaces threonine 1426 with alanine.
Molecular consequence: missense variant.
Genome position (GRCh38, 1-based): chr3:52,359,255, A>G. VCF-style: chr3-52359255-A-G. GRCh37 (hg19) VCF-style: chr3-52393271-A-G.
Other names: short protein forms T1426A.
Identifiers: ClinVar variation 1507361 (VCV001507361.8), dbSNP rs2153224279, ClinGen allele CA353126592.
Genomic context (GRCh38, chr3:52,359,255, plus strand): 5'-GGGATTGGGGCTGCGGCTGTCCAGGTCAGCCTGCCCATGCTGTCTTCCCAGATGCCCAGG[A>G]CCCAGTGGGTTCTGAACTGGCCTGGCCAGGTGACCATCGCTGGGTGCCAGACCTACTGGA-3'
Protein context (NP_056327.4, residues 1416-1436): AIRAYPTMPR[Thr1426Ala]QWVLNWPGQV

ClinVar aggregate classification (germline): Uncertain significance (1 of 4 stars; one submission).

Conditions:
Spermatogenic failure 18. Identifiers: MedGen C4539783, MONDO:0054615, OMIM 617576.
Ciliary dyskinesia, primary, 37 (CILD37). Also called: CILIARY DYSKINESIA, PRIMARY, 37, WITH OR WITHOUT SITUS INVERSUS. Identifiers: MedGen C4539798, MONDO:0033204, OMIM 617577.

Submission:

Labcorp Genetics (formerly Invitae), Labcorp
Classification: Uncertain significance for Ciliary dyskinesia, primary, 37; Spermatogenic failure 18. Last evaluated: 2021-07-24. Review status: criteria provided, single submitter. Criteria: Invitae Variant Classification Sherloc (09022015). Collection method: clinical testing. Allele origin: germline.
Comment: In summary, the available evidence is currently insufficient to determine the role of this variant in disease. Therefore, it has been classified as a Variant of Uncertain Significance. Algorithms developed to predict the effect of missense changes on protein structure and function (SIFT, PolyPhen-2, Align-GVGD) all suggest that this variant is likely to be tolerated. This variant has not been reported in the literature in individuals affected with DNAH1-related conditions. This variant is not present in population databases (ExAC no frequency). This sequence change replaces threonine with alanine at codon 1426 of the DNAH1 protein (p.Thr1426Ala). The threonine residue is highly conserved and there is a small physicochemical difference between threonine and alanine.